The following is an entry in ClinVar:

ClinVar aggregate classification (germline): Uncertain significance (1 of 4 stars; one submission).

Conditions:
Nephronophthisis 14 (NPHP14). Identifiers: Orphanet 2318, MedGen C3539071, MONDO:0013916, OMIM 614844.

Submission:

Labcorp Genetics (formerly Invitae), Labcorp
Classification: Uncertain significance for Nephronophthisis 14. Last evaluated: 2020-07-01. Review status: criteria provided, single submitter. Criteria: Invitae Variant Classification Sherloc (09022015). Collection method: clinical testing. Allele origin: germline.
Comment: This variant is not present in population databases (ExAC no frequency). In summary, the available evidence is currently insufficient to determine the role of this variant in disease. Therefore, it has been classified as a Variant of Uncertain Significance. The current clinical and genetic evidence is not sufficient to establish whether loss-of-function variants in ZNF423 cause disease. This variant has not been reported in the literature in individuals with ZNF423-related conditions. This sequence change creates a premature translational stop signal (p.Tyr339*) in the ZNF423 gene. It is expected to result in an absent or disrupted protein product.

NM_001379286.1(ZNF423):c.1041C>A (p.Tyr347Ter)

Gene: ZNF423 (zinc finger protein 423; minus strand). Cytogenetic location: 16q12.1.
Variant type: single nucleotide variant.
Coding change: c.1041C>A on transcript NM_001379286.1 (MANE Select); coding-DNA position 1041, C replaced by A.
Protein change: p.Tyr347Ter; replaces tyrosine 347 with a stop codon.
Molecular consequence: nonsense.
Genome position (GRCh38, 1-based): chr16:49,638,135, G>T on the plus strand (C>A on the coding strand, the complement: ZNF423 is on the minus strand). VCF-style: chr16-49638135-G-T. GRCh37 (hg19) VCF-style: chr16-49672046-G-T.
Other names: c.837C>A, p.Tyr279Ter (NM_001271620.2); c.666C>A, p.Tyr222Ter (NM_001330533.2); c.1017C>A, p.Tyr339Ter (NM_015069.5); short protein forms Y222*, Y279*, Y339*, Y347*.
Identifiers: ClinVar variation 1056404 (VCV001056404.7), dbSNP rs2151886352, ClinGen allele CA395850530.